The following is an entry in ClinVar:

ClinVar aggregate classification (germline): Uncertain significance (1 of 4 stars; one submission).

Allele frequency attached by ClinVar (database versions not stated): gnomAD 0.00001; TOPMed 0.00001.
gnomAD v4.1: 7 of 1,614,046 alleles (0.00043%); highest among the groups gnomAD compares: Non-Finnish European, 0.00059%; no homozygotes.

Submission:

Labcorp Genetics (formerly Invitae), Labcorp
Classification: Uncertain significance. Last evaluated: 2022-09-06. Review status: criteria provided, single submitter. Criteria: Invitae Variant Classification Sherloc (09022015). Collection method: clinical testing. Allele origin: germline.
Comment: In summary, the available evidence is currently insufficient to determine the role of this variant in disease. Therefore, it has been classified as a Variant of Uncertain Significance. Algorithms developed to predict the effect of missense changes on protein structure and function (SIFT, PolyPhen-2, Align-GVGD) all suggest that this variant is likely to be disruptive. ClinVar contains an entry for this variant (Variation ID: 1420276). This variant has not been reported in the literature in individuals affected with RP1-related conditions. This variant is present in population databases (rs779243716, gnomAD 0.004%). This sequence change replaces histidine, which is basic and polar, with aspartic acid, which is acidic and polar, at codon 90 of the RP1 protein (p.His90Asp).

NM_006269.2(RP1):c.268C>G (p.His90Asp)

Gene: RP1 (RP1 axonemal microtubule associated; plus strand). Cytogenetic location: 8q12.1.
Variant type: single nucleotide variant.
Coding change: c.268C>G on transcript NM_006269.2 (MANE Select); coding-DNA position 268, C replaced by G.
Protein change: p.His90Asp; replaces histidine 90 with aspartic acid.
Molecular consequence: missense variant.
Genome position (GRCh38, 1-based): chr8:54,621,234, C>G. VCF-style: chr8-54621234-C-G. GRCh37 (hg19) VCF-style: chr8-55533794-C-G.
Other names: c.268C>G, p.His90Asp (NM_001375654.1); short protein forms H90D.
Identifiers: ClinVar variation 1420276 (VCV001420276.8), dbSNP rs779243716, ClinGen allele CA4751103.